The following is an entry in ClinVar:

ClinVar aggregate classification (germline): Uncertain significance. Review status: criteria provided, multiple submitters, no conflicts (2 of 4 stars). 6 submissions from 6 submitters: Uncertain significance (5). 1 of the submissions does not count toward it. Last evaluated 2025-07-02.

Conditions:
Autosomal recessive retinitis pigmentosa. Identifiers: MedGen C0339526.
EYS-related disorder. Also called: EYS-related condition.
Inborn genetic diseases. Identifiers: MedGen C0950123, MeSH D030342.

Allele frequency attached by ClinVar (database versions not stated): ExAC 0.00005; TOPMed 0.00008; gnomAD 0.00011.
gnomAD v4.1: 135 of 1,551,234 alleles (0.0087%); highest among the groups gnomAD compares: Non-Finnish European, 0.011%; no homozygotes.

Submissions (6):

PreventionGenetics, part of Exact Sciences
Classification: Uncertain significance for EYS-related condition. Last evaluated: 2025-07-02. Review status: criteria provided, single submitter. Criteria: ACMG Guidelines, 2015. Collection method: clinical testing. Allele origin: germline.
Comment: The EYS c.4559C>G variant is predicted to result in the amino acid substitution p.Ala1520Gly. To our knowledge, this variant has not been reported in the literature. This variant is present in 0.011% of alleles in individuals of European (Non-Finnish) descent in gnomAD. At this time, the clinical significance of this variant is uncertain due to the absence of conclusive functional and genetic evidence.

Ambry Genetics
Classification: Uncertain significance for Inborn genetic diseases. Last evaluated: 2025-06-16. Review status: criteria provided, single submitter. Criteria: Ambry Variant Classification Scheme 2023. Collection method: clinical testing. Allele origin: germline.

Blueprint Genetics
Classification: Uncertain significance. Last evaluated: 2024-05-08. Review status: criteria provided, single submitter. Criteria: ACMG Guidelines, 2015. Collection method: clinical testing. Allele origin: germline.

CeGaT Center for Human Genetics Tuebingen
Classification: Uncertain significance. Last evaluated: 2023-05-01. Review status: criteria provided, single submitter. Criteria: CeGaT Center For Human Genetics Tuebingen Variant Classification Criteria Version 2. Collection method: clinical testing. Allele origin: germline. Affected: yes. Observed: 1 variant allele.
Comment: EYS: PM2, BP4

Labcorp Genetics (formerly Invitae), Labcorp
Classification: Uncertain significance. Last evaluated: 2022-08-08. Review status: criteria provided, single submitter. Criteria: Invitae Variant Classification Sherloc (09022015). Collection method: clinical testing. Allele origin: germline.
Comment: This sequence change replaces alanine, which is neutral and non-polar, with glycine, which is neutral and non-polar, at codon 1520 of the EYS protein (p.Ala1520Gly). This variant is present in population databases (rs751565795, gnomAD 0.01%). This variant has not been reported in the literature in individuals affected with EYS-related conditions. ClinVar contains an entry for this variant (Variation ID: 990036). Algorithms developed to predict the effect of missense changes on protein structure and function output the following: SIFT: "Tolerated"; PolyPhen-2: "Benign"; Align-GVGD: "Class C0". The glycine amino acid residue is found in multiple mammalian species, which suggests that this missense change does not adversely affect protein function. In summary, the available evidence is currently insufficient to determine the role of this variant in disease. Therefore, it has been classified as a Variant of Uncertain Significance.

Natera, Inc.
Classification: Uncertain significance for Autosomal recessive retinitis pigmentosa. Last evaluated: 2020-08-31. Review status: no assertion criteria provided. Collection method: clinical testing. Allele origin: germline. Not counted in ClinVar's aggregate classification.

NM_001142800.2(EYS):c.4559C>G (p.Ala1520Gly)

Gene: EYS (EGF-like photoreceptor maintenance factor; minus strand). Cytogenetic location: 6q12.
Variant type: single nucleotide variant.
Coding change: c.4559C>G on transcript NM_001142800.2 (MANE Select); coding-DNA position 4559, C replaced by G.
Protein change: p.Ala1520Gly; replaces alanine 1520 with glycine.
Molecular consequence: missense variant.
Genome position (GRCh38, 1-based): chr6:64,591,308, G>C on the plus strand (C>G on the coding strand, the complement: EYS is on the minus strand). VCF-style: chr6-64591308-G-C. GRCh37 (hg19) VCF-style: chr6-65301201-G-C.
Other names: c.4559C>G (NM_001142800.1); c.4559C>G, p.Ala1520Gly (NM_001292009.2); short protein forms A1520G.
Identifiers: ClinVar variation 990036 (VCV000990036.33), dbSNP rs751565795, ClinGen allele CA3877069.